The following is an entry in ClinVar:

ClinVar aggregate classification (germline): Pathogenic (1 of 4 stars; one submission).

Conditions:
Thrombophilia, X-linked, due to factor 9 defect. Identifiers: MedGen C2749016, MONDO:0010432, OMIM 300807.
Hereditary factor IX deficiency disease (HEMB). Also called: Christmas Disease; FACTOR IX DEFICIENCY; PLASMA THROMBOPLASTIN COMPONENT DEFICIENCY; Hemophilia B; F9 DEFICIENCY. Identifiers: Orphanet 98879, MedGen C0008533, MeSH D002836, MONDO:0010604, OMIM 306900.

Submission:

Labcorp Genetics (formerly Invitae), Labcorp
Classification: Pathogenic for Thrombophilia, X-linked, due to factor 9 defect; Hereditary factor IX deficiency disease. Last evaluated: 2021-05-20. Review status: criteria provided, single submitter. Criteria: Invitae Variant Classification Sherloc (09022015). Collection method: clinical testing. Allele origin: germline.
Comment: This sequence change replaces serine with arginine at codon 354 of the F9 protein (p.Ser354Arg). The serine residue is highly conserved and there is a moderate physicochemical difference between serine and arginine. For these reasons, this variant has been classified as Pathogenic. This variant disrupts the p.Ser354 amino acid residue in F9. Other variant(s) that disrupt this residue have been observed in individuals with F9-related conditions (PMID: 19699296), which suggests that this may be a clinically significant amino acid residue. Advanced modeling of protein sequence and biophysical properties (such as structural, functional, and spatial information, amino acid conservation, physicochemical variation, residue mobility, and thermodynamic stability) performed at Invitae indicates that this missense variant is expected to disrupt F9 protein function. This missense change has been observed in individual(s) with clinical features of hemophilia B (PMID: 7937052, Invitae). These variants are also known as T31045G (308, S->R) and A31043C (308S->R). This variant is not present in population databases (ExAC no frequency).

Literature cited by the submitters: PubMed 19699296; PubMed 7937052.

NM_000133.4(F9):c.1062T>A (p.Ser354Arg)

Gene: F9 (coagulation factor IX; plus strand). Cytogenetic location: Xq27.1.
Variant type: single nucleotide variant.
Coding change: c.1062T>A on transcript NM_000133.4 (MANE Select); coding-DNA position 1062, T replaced by A.
Protein change: p.Ser354Arg; replaces serine 354 with arginine.
Molecular consequence: missense variant.
Genome position (GRCh38, 1-based): chrX:139,561,747, T>A. VCF-style: chrX-139561747-T-A. GRCh37 (hg19) VCF-style: chrX-138643906-T-A.
Other names: c.948T>A, p.Ser316Arg (NM_001313913.2); short protein forms S316R, S354R.
Identifiers: ClinVar variation 1417984 (VCV001417984.8), dbSNP rs2148367882, ClinGen allele CA414445642.
Genomic context (GRCh38, chrX:139,561,747, plus strand): 5'-TTGCATTGCTGACAAGGAATACACGAACATCTTCCTCAAATTTGGATCTGGCTATGTAAG[T>A]GGCTGGGGAAGAGTCTTCCACAAAGGGAGATCAGCTTTAGTTCTTCAGTACCTTAGAGTT-3'
Protein context (NP_000124.1, residues 344-364): IFLKFGSGYV[Ser354Arg]GWGRVFHKGR